The following is an entry in ClinVar:

NM_006904.7(PRKDC):c.8443G>C (p.Gly2815Arg)

Gene: PRKDC (protein kinase, DNA-activated, catalytic subunit; minus strand). Cytogenetic location: 8q11.21.
Variant type: single nucleotide variant.
Coding change: c.8443G>C on transcript NM_006904.7 (MANE Select); coding-DNA position 8443, G replaced by C.
Protein change: p.Gly2815Arg; replaces glycine 2815 with arginine.
Molecular consequence: missense variant.
Genome position (GRCh38, 1-based): chr8:47,828,302, C>G on the plus strand (G>C on the coding strand, the complement: PRKDC is on the minus strand). VCF-style: chr8-47828302-C-G. GRCh37 (hg19) VCF-style: chr8-48740863-C-G.
Other names: c.8443G>C, p.Gly2815Arg (NM_001081640.2); short protein forms G2815R.
Identifiers: ClinVar variation 1763406 (VCV001763406.2), dbSNP rs2087784112, ClinGen allele CA371144606.

ClinVar aggregate classification (germline): Uncertain significance (1 of 4 stars; one submission).

Submission:

Ambry Genetics
Classification: Uncertain significance. Last evaluated: 2021-08-08. Review status: criteria provided, single submitter. Criteria: Ambry Variant Classification Scheme 2023. Collection method: clinical testing. Allele origin: germline.
Comment: The p.G2815R variant (also known as c.8443G>C), located in coding exon 62 of the PRKDC gene, results from a G to C substitution at nucleotide position 8443. The glycine at codon 2815 is replaced by arginine, an amino acid with dissimilar properties. This amino acid position is conserved. In addition, this alteration is predicted to be tolerated by in silico analysis. Since supporting evidence is limited at this time, the clinical significance of this alteration remains unclear.